The following is an entry in ClinVar:

NM_006060.6(IKZF1):c.550C>G (p.Arg184Gly)

Gene: IKZF1 (IKAROS family zinc finger 1; plus strand). Cytogenetic location: 7p12.2.
Variant type: single nucleotide variant.
Coding change: c.550C>G on transcript NM_006060.6 (MANE Select); coding-DNA position 550, C replaced by G.
Protein change: p.Arg184Gly; replaces arginine 184 with glycine.
Molecular consequence: missense variant. On other transcripts: intron variant (6).
Genome position (GRCh38, 1-based): chr7:50,382,668, C>G. VCF-style: chr7-50382668-C-G. GRCh37 (hg19) VCF-style: chr7-50450366-C-G.
Other names: c.550C>G, p.Arg184Gly (NM_001220765.3, NM_001220768.2, NM_001291837.2); c.289C>G, p.Arg97Gly (NM_001220767.2, NM_001220770.2, NM_001291838.2 and 1 more transcripts); c.610C>G, p.Arg204Gly (NM_001410879.1); c.421+5875C>G (NM_001220771.2); c.161-4677C>G (NM_001291841.1, NM_001291842.1); c.161-9061C>G (NM_001291843.1, NM_001291844.1); c.161-17250C>G (NM_001291840.1); short protein forms R204G, R97G, R184G.
Identifiers: ClinVar variation 2028675 (VCV002028675.4), dbSNP rs1584926038, ClinGen allele CA367531413.
Genomic context (GRCh38, chr7:50,382,668, plus strand): 5'-ATCAAGCTGCATTCCGGGGAGAAGCCCTTCAAATGCCACCTCTGCAACTACGCCTGCCGC[C>G]GGAGGGACGCCCTCACTGGCCACCTGAGGACGCACTCCGGTAGGTCCCCTGGATGCAGTC-3'
Protein context (NP_006051.1, residues 174-194): KCHLCNYACR[Arg184Gly]RDALTGHLRT

ClinVar aggregate classification (germline): Uncertain significance (1 of 4 stars; one submission).

Submission:

Labcorp Genetics (formerly Invitae), Labcorp
Classification: Uncertain significance. Last evaluated: 2022-09-02. Review status: criteria provided, single submitter. Criteria: Invitae Variant Classification Sherloc (09022015). Collection method: clinical testing. Allele origin: germline.
Comment: In summary, the available evidence is currently insufficient to determine the role of this variant in disease. Therefore, it has been classified as a Variant of Uncertain Significance. Algorithms developed to predict the effect of missense changes on protein structure and function are either unavailable or do not agree on the potential impact of this missense change (SIFT: "Not Available"; PolyPhen-2: "Probably Damaging"; Align-GVGD: "Not Available"). This variant has not been reported in the literature in individuals affected with IKZF1-related conditions. This variant is not present in population databases (gnomAD no frequency). This sequence change replaces arginine, which is basic and polar, with glycine, which is neutral and non-polar, at codon 184 of the IKZF1 protein (p.Arg184Gly).